The following is an entry in ClinVar:

NM_000548.5(TSC2):c.5237A>C (p.His1746Pro)

Gene: TSC2 (TSC complex subunit 2; plus strand). Cytogenetic location: 16p13.3.
Variant type: single nucleotide variant.
Coding change: c.5237A>C on transcript NM_000548.5 (MANE Select); coding-DNA position 5237, A replaced by C.
Protein change: p.His1746Pro; replaces histidine 1746 with proline.
Molecular consequence: missense variant.
Genome position (GRCh38, 1-based): chr16:2,088,303, A>C. VCF-style: chr16-2088303-A-C. GRCh37 (hg19) VCF-style: chr16-2138304-A-C.
Other names: c.5036A>C, p.His1679Pro (NM_001077183.3); c.5168A>C, p.His1723Pro (NM_001114382.3); c.4928A>C, p.His1643Pro (NM_001318827.2); c.4892A>C, p.His1631Pro (NM_001318829.2); c.4505A>C, p.His1502Pro (NM_001318831.2); c.5069A>C, p.His1690Pro (NM_001318832.2); c.5039A>C, p.His1680Pro (NM_001363528.2); c.5105A>C, p.His1702Pro (NM_001370404.1); and 2 more; short protein forms H1679P, H1703P, H1680P, H1723P, H1643P, H1690P, H1702P, H1746P.
Identifiers: ClinVar variation 1473495 (VCV001473495.11), dbSNP rs2151631825, ClinGen allele CA394314610.

ClinVar aggregate classification (germline): Likely pathogenic. Review status: criteria provided, multiple submitters, no conflicts (2 of 4 stars). 3 submissions from 3 submitters: Likely pathogenic (3). Last evaluated 2026-06-01.

Conditions:
Lymphangiomyomatosis (LAM). Also called: Lymphangioleiomyomatosis; Lymphangioleiomyomatosis, somatic. Identifiers: Orphanet 538, MedGen C0751674, MONDO:0011705, OMIM 606690.
Isolated focal cortical dysplasia type II (FCORD2). Also called: CORTICAL DYSPLASIA OF TAYLOR; Focal cortical dysplasia type II. Identifiers: Orphanet 268994, MedGen C1846385, MONDO:0011818, OMIM 607341, HP:0032051.
Tuberous sclerosis 2 (TSC2). Identifiers: Orphanet 805, MedGen C1860707, MONDO:0013199, OMIM 613254.

Submissions (3):

CeGaT Center for Human Genetics Tuebingen
Classification: Likely pathogenic. Last evaluated: 2026-06-01. Review status: criteria provided, single submitter. Criteria: CeGaT Center For Human Genetics Tuebingen Variant Classification Criteria Version 2. Collection method: clinical testing. Allele origin: germline. Affected: yes. Observed: 1 variant allele.
Comment: TSC2: PM1, PM2, PS2:Moderate, PP4

Labcorp Genetics (formerly Invitae), Labcorp
Classification: Likely pathogenic for Tuberous sclerosis 2. Last evaluated: 2025-06-03. Review status: criteria provided, single submitter. Criteria: Invitae Variant Classification Sherloc (09022015). Collection method: clinical testing. Allele origin: germline.
Comment: This sequence change replaces histidine, which is basic and polar, with proline, which is neutral and non-polar, at codon 1746 of the TSC2 protein (p.His1746Pro). This variant is not present in population databases (gnomAD no frequency). This missense change has been observed in individual(s) with clinical features of tuberous sclerosis complex (TSC) (internal data). In at least one individual the variant was observed to be de novo. ClinVar contains an entry for this variant (Variation ID: 1473495). Invitae Evidence Modeling of protein sequence and biophysical properties (such as structural, functional, and spatial information, amino acid conservation, physicochemical variation, residue mobility, and thermodynamic stability) has been performed for this missense variant. However, the output from this modeling did not meet the statistical confidence thresholds required to predict the impact of this variant on TSC2 protein function. In summary, the currently available evidence indicates that the variant is pathogenic, but additional data are needed to prove that conclusively. Therefore, this variant has been classified as Likely Pathogenic.

Fulgent Genetics
Classification: Likely pathogenic for Lymphangiomyomatosis; Isolated focal cortical dysplasia type II; Tuberous sclerosis 2. Last evaluated: 2022-02-17. Review status: criteria provided, single submitter. Criteria: ACMG Guidelines, 2015. Collection method: clinical testing. Allele origin: unknown.